The following is an entry in ClinVar:

ClinVar aggregate classification (germline): Conflicting classifications of pathogenicity. Review status: criteria provided, conflicting classifications (1 of 4 stars). 6 submissions from 6 submitters: Uncertain significance (5); Likely benign (1). Last evaluated 2026-01-26.

Conditions:
Neurofibromatosis, type 1 (NF1). Also called: VON RECKLINGHAUSEN DISEASE; Peripheral type neurofibromatosis; NEUROFIBROMATOSIS, TYPE I, SOMATIC; Neurofibromatosis, type I. Identifiers: Orphanet 636, MedGen C0027831, MONDO:0018975, OMIM 162200. Disease mechanism: loss of function.
Cardiovascular phenotype. Identifiers: MedGen CN230736.
Hereditary cancer-predisposing syndrome. Also called: Neoplastic Syndromes, Hereditary; Tumor predisposition; Hereditary Cancer Syndrome; Hereditary neoplastic syndrome. Identifiers: Orphanet 140162, MedGen C0027672, MeSH D009386, MONDO:0015356.

Allele frequency attached by ClinVar (database versions not stated): gnomAD exomes below 0.00001.
gnomAD v4.1: 1 of 1,539,394 alleles (0.000065%); highest among the groups gnomAD compares: Non-Finnish European, 0.000087%; no homozygotes.

Submissions (6):

Labcorp Genetics (formerly Invitae), Labcorp
Classification: Likely benign for Neurofibromatosis, type 1. Last evaluated: 2026-01-26. Review status: criteria provided, single submitter. Criteria: Invitae Variant Classification Sherloc (09022015). Collection method: clinical testing. Allele origin: germline.

Ambry Genetics
Classification: Uncertain significance for Cardiovascular phenotype; Hereditary cancer-predisposing syndrome. Last evaluated: 2025-07-02. Review status: criteria provided, single submitter. Criteria: Ambry Variant Classification Scheme 2023. Collection method: clinical testing. Allele origin: germline.
Comment: The p.V13A variant (also known as c.38T>C), located in coding exon 1 of the NF1 gene, results from a T to C substitution at nucleotide position 38. The valine at codon 13 is replaced by alanine, an amino acid with similar properties. This amino acid position is highly conserved in available vertebrate species. In addition, the in silico prediction for this alteration is inconclusive. Based on the available evidence, the clinical significance of this variant remains unclear.

GeneDx
Classification: Uncertain significance. Last evaluated: 2025-04-29. Review status: criteria provided, single submitter. Criteria: GeneDx Variant Classification Process June 2021. Collection method: clinical testing. Allele origin: germline.
Comment: Not observed at significant frequency in large population cohorts (gnomAD); In silico analysis indicates that this missense variant does not alter protein structure/function; Has not been previously published as pathogenic or benign to our knowledge

Blueprint Genetics
Classification: Uncertain significance. Last evaluated: 2024-04-29. Review status: criteria provided, single submitter. Criteria: ACMG Guidelines, 2015. Collection method: clinical testing. Allele origin: germline.

Genome-Nilou Lab
Classification: Uncertain significance for Neurofibromatosis, type 1. Last evaluated: 2022-03-15. Review status: criteria provided, single submitter. Criteria: ACMG Guidelines, 2015. Collection method: clinical testing. Allele origin: germline. Affected: no.

Genome Diagnostics Laboratory, The Hospital for Sick Children
Classification: Uncertain significance for Neurofibromatosis, type 1. Last evaluated: 2020-10-26. Review status: criteria provided, single submitter. Criteria: ACMG Guidelines, 2015. Collection method: clinical testing. Allele origin: germline. Affected: yes.

NM_001042492.3(NF1):c.38T>C (p.Val13Ala)

Genes: MIR4733HG (MIR4733 host gene; minus strand), NF1 (neurofibromin 1; plus strand), LOC111811965 (NF1 (neurofibromin 1) promoter region; plus strand). Cytogenetic location: 17q11.2.
Variant type: single nucleotide variant.
Coding change: c.38T>C on transcript NM_001042492.3 (MANE Select); coding-DNA position 38, T replaced by C.
Protein change: p.Val13Ala; replaces valine 13 with alanine.
Molecular consequence: missense variant. On other transcripts: non-coding transcript variant (1).
Genome position (GRCh38, 1-based): chr17:31,095,347, T>C. VCF-style: chr17-31095347-T-C. GRCh37 (hg19) VCF-style: chr17-29422365-T-C.
Other names: c.38T>C, p.Val13Ala (NM_000267.4, NM_001128147.3); short protein forms V13A.
Identifiers: ClinVar variation 835685 (VCV000835685.16), dbSNP rs1911556061, ClinGen allele CA398979319.